The following is an entry in ClinVar:

NM_006231.4(POLE):c.4735C>G (p.Arg1579Gly)

Gene: POLE (DNA polymerase epsilon, catalytic subunit; minus strand). Cytogenetic location: 12q24.33.
Variant type: single nucleotide variant.
Coding change: c.4735C>G on transcript NM_006231.4 (MANE Select); coding-DNA position 4735, C replaced by G.
Protein change: p.Arg1579Gly; replaces arginine 1579 with glycine.
Molecular consequence: missense variant.
Genome position (GRCh38, 1-based): chr12:132,642,723, G>C on the plus strand (C>G on the coding strand, the complement: POLE is on the minus strand). VCF-style: chr12-132642723-G-C. GRCh37 (hg19) VCF-style: chr12-133219309-G-C.
Other names: short protein forms R1579G.
Identifiers: ClinVar variation 473689 (VCV000473689.12), dbSNP rs1060500802, ClinGen allele CA387378556.

ClinVar aggregate classification (germline): Uncertain significance. Review status: criteria provided, multiple submitters, no conflicts (2 of 4 stars). 2 submissions from 2 submitters: Uncertain significance (2). Last evaluated 2025-09-21.

Conditions:
Hereditary cancer-predisposing syndrome. Also called: Neoplastic Syndromes, Hereditary; Tumor predisposition; Hereditary Cancer Syndrome; Hereditary neoplastic syndrome. Identifiers: Orphanet 140162, MedGen C0027672, MeSH D009386, MONDO:0015356.

Allele frequency attached by ClinVar (database versions not stated): TOPMed 0.00001.
gnomAD v4.1: 7 of 1,613,388 alleles (0.00043%); highest among the groups gnomAD compares: Non-Finnish European, 0.00059%; no homozygotes.

Submissions (2):

Labcorp Genetics (formerly Invitae), Labcorp
Classification: Uncertain significance. Last evaluated: 2025-09-21. Review status: criteria provided, single submitter. Criteria: Invitae Variant Classification Sherloc (09022015). Collection method: clinical testing. Allele origin: germline.
Comment: This sequence change replaces arginine, which is basic and polar, with glycine, which is neutral and non-polar, at codon 1579 of the POLE protein (p.Arg1579Gly). This variant is not present in population databases (gnomAD no frequency). This variant has not been reported in the literature in individuals affected with POLE-related conditions. ClinVar contains an entry for this variant (Variation ID: 473689). Invitae Evidence Modeling of protein sequence and biophysical properties (such as structural, functional, and spatial information, amino acid conservation, physicochemical variation, residue mobility, and thermodynamic stability) indicates that this missense variant is not expected to disrupt POLE protein function with a negative predictive value of 80%. In summary, the available evidence is currently insufficient to determine the role of this variant in disease. Therefore, it has been classified as a Variant of Uncertain Significance.

Ambry Genetics
Classification: Uncertain significance for Hereditary cancer-predisposing syndrome. Last evaluated: 2023-07-03. Review status: criteria provided, single submitter. Criteria: Ambry Variant Classification Scheme 2023. Collection method: clinical testing. Allele origin: germline.
Comment: The p.R1579G variant (also known as c.4735C>G), located in coding exon 37 of the POLE gene, results from a C to G substitution at nucleotide position 4735. The arginine at codon 1579 is replaced by glycine, an amino acid with dissimilar properties. This amino acid position is conserved. In addition, the in silico prediction for this alteration is inconclusive. Since supporting evidence is limited at this time, the clinical significance of this alteration remains unclear.